The following is an entry in ClinVar:

ClinVar aggregate classification (germline): Benign/Likely benign. Review status: criteria provided, multiple submitters, no conflicts (2 of 4 stars). 3 submissions from 3 submitters: Benign (1); Likely benign (2). Last evaluated 2026-04-20.

Conditions:
DICER1-related tumor predisposition. Also called: DICER1 syndrome; DICER1-related pleuropulmonary blastoma cancer predisposition syndrome. Identifiers: Orphanet 284343, MedGen C3839822, MONDO:0100216.
Hereditary cancer-predisposing syndrome. Also called: Tumor predisposition; Hereditary Cancer Syndrome; Hereditary neoplastic syndrome; Neoplastic Syndromes, Hereditary. Identifiers: Orphanet 140162, MedGen C0027672, MeSH D009386, MONDO:0015356.

Allele frequency attached by ClinVar (database versions not stated): gnomAD exomes below 0.00001; TOPMed below 0.00001; gnomAD 0.00001.
gnomAD v4.1: 2 of 1,614,100 alleles (0.00012%); highest among the groups gnomAD compares: African/African-American, 0.0027%; no homozygotes.

Submissions (3):

Myriad Genetics, Inc.
Classification: Benign for DICER1-related tumor predisposition. Last evaluated: 2026-04-20. Review status: criteria provided, single submitter. Criteria: Myriad Autosomal Dominant, Autosomal Recessive and X-Linked Classification Criteria (2023). Collection method: clinical testing. Allele origin: unknown.
Comment: This variant is considered benign. This variant is a silent/synonymous amino acid change and it is not expected to impact splicing.

Labcorp Genetics (formerly Invitae), Labcorp
Classification: Likely benign for DICER1-related tumor predisposition. Last evaluated: 2024-08-04. Review status: criteria provided, single submitter. Criteria: Invitae Variant Classification Sherloc (09022015). Collection method: clinical testing. Allele origin: germline.

Ambry Genetics
Classification: Likely benign for Hereditary cancer-predisposing syndrome. Last evaluated: 2019-01-07. Review status: criteria provided, single submitter. Criteria: Ambry Variant Classification Scheme 2023. Collection method: clinical testing. Allele origin: germline.

NM_177438.3(DICER1):c.4725G>A (p.Gly1575=)

Gene: DICER1 (dicer 1, ribonuclease III; minus strand). Cytogenetic location: 14q32.13.
Variant type: single nucleotide variant.
Coding change: c.4725G>A on transcript NM_177438.3 (MANE Select); coding-DNA position 4725, G replaced by A.
Protein change: p.Gly1575=; no amino-acid change (glycine 1575 retained).
Molecular consequence: synonymous variant.
Genome position (GRCh38, 1-based): chr14:95,096,195, C>T on the plus strand (G>A on the coding strand, the complement: DICER1 is on the minus strand). VCF-style: chr14-95096195-C-T. GRCh37 (hg19) VCF-style: chr14-95562532-C-T.
Other names: c.4725G>A, p.Gly1575= (NM_001195573.1, NM_001271282.3, NM_001291628.2 and 1 more transcripts).
Identifiers: ClinVar variation 825126 (VCV000825126.16), dbSNP rs1288597911, ClinGen allele CA487844271.